The following is an entry in ClinVar:

NM_025137.4(SPG11):c.2508T>C (p.Tyr836=)

Gene: SPG11 (SPG11 vesicle trafficking associated, spatacsin; minus strand). Cytogenetic location: 15q21.1.
Variant type: single nucleotide variant.
Coding change: c.2508T>C on transcript NM_025137.4 (MANE Select); coding-DNA position 2508, T replaced by C.
Protein change: p.Tyr836=; no amino-acid change (tyrosine 836 retained).
Molecular consequence: synonymous variant.
Genome position (GRCh38, 1-based): chr15:44,621,871, A>G on the plus strand (T>C on the coding strand, the complement: SPG11 is on the minus strand). VCF-style: chr15-44621871-A-G. GRCh37 (hg19) VCF-style: chr15-44914069-A-G.
Other names: c.2508T>C, p.Tyr836= (NM_001160227.2).
Identifiers: ClinVar variation 1155610 (VCV001155610.23), dbSNP rs770468335, ClinGen allele CA7535221.

ClinVar aggregate classification (germline): Likely benign. Review status: criteria provided, multiple submitters, no conflicts (2 of 4 stars). 2 submissions from 2 submitters: Likely benign (2). Last evaluated 2024-09-01.

Conditions:
Hereditary spastic paraplegia 11. Also called: Spastic Paraplegia 11; Nakamura Osame syndrome; Autosomal recessive hereditary spastic paraplegia, mental impairment, and thin corpus callosum; Spastic paraplegia, mental retardation and thin corpus callosum; SPASTIC PARAPLEGIA, AUTOSOMAL RECESSIVE, COMPLICATED, WITH THIN CORPUS CALLOSUM; SPASTIC PARAPLEGIA, AUTOSOMAL RECESSIVE, WITH MENTAL IMPAIRMENT AND THIN CORPUS CALLOSUM. Identifiers: Orphanet 2822, MedGen C1858479, MONDO:0011445, OMIM 604360.

Allele frequency attached by ClinVar (database versions not stated): gnomAD exomes below 0.00001; ExAC 0.00001.
gnomAD v4.1: 6 of 1,613,926 alleles (0.00037%); highest among the groups gnomAD compares: Non-Finnish European, 0.00034%; no homozygotes.

Submissions (2):

CeGaT Center for Human Genetics Tuebingen
Classification: Likely benign. Last evaluated: 2024-09-01. Review status: criteria provided, single submitter. Criteria: CeGaT Center For Human Genetics Tuebingen Variant Classification Criteria Version 2. Collection method: clinical testing. Allele origin: germline. Affected: yes. Observed: 1 variant allele.
Comment: SPG11: BP4, BP7

Labcorp Genetics (formerly Invitae), Labcorp
Classification: Likely benign for Hereditary spastic paraplegia 11. Last evaluated: 2023-01-08. Review status: criteria provided, single submitter. Criteria: Invitae Variant Classification Sherloc (09022015). Collection method: clinical testing. Allele origin: germline.